The following is an entry in ClinVar:

NM_000051.4(ATM):c.3689A>T (p.Asn1230Ile)

Gene: ATM (ATM serine/threonine kinase; plus strand). Cytogenetic location: 11q22.3.
Variant type: single nucleotide variant.
Coding change: c.3689A>T on transcript NM_000051.4 (MANE Select); coding-DNA position 3689, A replaced by T.
Protein change: p.Asn1230Ile; replaces asparagine 1230 with isoleucine.
Molecular consequence: missense variant.
Genome position (GRCh38, 1-based): chr11:108,282,822, A>T. VCF-style: chr11-108282822-A-T. GRCh37 (hg19) VCF-style: chr11-108153549-A-T.
Other names: c.3689A>T, p.Asn1230Ile (NM_001351834.2); short protein forms N1230I.
Identifiers: ClinVar variation 854223 (VCV000854223.10), dbSNP rs587782195, ClinGen allele CA382523469.

ClinVar aggregate classification (germline): Uncertain significance. Review status: criteria provided, multiple submitters, no conflicts (2 of 4 stars). 2 submissions from 2 submitters: Uncertain significance (2). Last evaluated 2022-11-19.

Conditions:
Ataxia-telangiectasia syndrome (AT). Also called: Ataxia-telangiectasia, complementation group E; Cerebello-oculocutaneous telangiectasia; Immunodeficiency with ataxia telangiectasia; Ataxia-telangiectasia, complementation group D; AT, COMPLEMENTATION GROUP C; Ataxia-telangiectasia. Identifiers: Orphanet 100, MedGen C0004135, MONDO:0008840, OMIM 208900.

Submissions (2):

Women's Health and Genetics/Laboratory Corporation of America, LabCorp
Classification: Uncertain significance. Last evaluated: 2022-11-19. Review status: criteria provided, single submitter. Criteria: LabCorp Variant Classification Summary - May 2015. Collection method: clinical testing. Allele origin: germline.

Labcorp Genetics (formerly Invitae), Labcorp
Classification: Uncertain significance for Ataxia-telangiectasia syndrome. Last evaluated: 2019-11-25. Review status: criteria provided, single submitter. Criteria: Invitae Variant Classification Sherloc (09022015). Collection method: clinical testing. Allele origin: germline.
Comment: Algorithms developed to predict the effect of missense changes on protein structure and function (SIFT, PolyPhen-2, Align-GVGD) all suggest that this variant is likely to be tolerated, but these predictions have not been confirmed by published functional studies and their clinical significance is uncertain. In summary, the available evidence is currently insufficient to determine the role of this variant in disease. Therefore, it has been classified as a Variant of Uncertain Significance. This variant has not been reported in the literature in individuals with ATM-related conditions. This variant is not present in population databases (ExAC no frequency). This sequence change replaces asparagine with isoleucine at codon 1230 of the ATM protein (p.Asn1230Ile). The asparagine residue is weakly conserved and there is a large physicochemical difference between asparagine and isoleucine.